The following is an entry in ClinVar:

ClinVar aggregate classification (germline): Uncertain significance (1 of 4 stars; one submission).

Allele frequency attached by ClinVar (database versions not stated): gnomAD exomes below 0.00001; gnomAD 0.00001; TOPMed 0.00001.
gnomAD v4.1: 4 of 1,597,310 alleles (0.00025%); highest among the groups gnomAD compares: East Asian, 0.0023%; no homozygotes.

Submission:

Labcorp Genetics (formerly Invitae), Labcorp
Classification: Uncertain significance. Last evaluated: 2021-04-20. Review status: criteria provided, single submitter. Criteria: Invitae Variant Classification Sherloc (09022015). Collection method: clinical testing. Allele origin: germline.
Comment: This sequence change replaces methionine with threonine at codon 292 of the PNPT1 protein (p.Met292Thr). The methionine residue is moderately conserved and there is a moderate physicochemical difference between methionine and threonine. This variant is not present in population databases (ExAC no frequency). This variant has not been reported in the literature in individuals with PNPT1-related conditions. Advanced modeling of protein sequence and biophysical properties (such as structural, functional, and spatial information, amino acid conservation, physicochemical variation, residue mobility, and thermodynamic stability) performed at Invitae indicates that this missense variant is not expected to disrupt PNPT1 protein function. In summary, the available evidence is currently insufficient to determine the role of this variant in disease. Therefore, it has been classified as a Variant of Uncertain Significance.

NM_033109.5(PNPT1):c.875T>C (p.Met292Thr)

Gene: PNPT1 (polyribonucleotide nucleotidyltransferase 1; minus strand). Cytogenetic location: 2p16.1.
Variant type: single nucleotide variant.
Coding change: c.875T>C on transcript NM_033109.5 (MANE Select); coding-DNA position 875, T replaced by C.
Protein change: p.Met292Thr; replaces methionine 292 with threonine.
Molecular consequence: missense variant.
Genome position (GRCh38, 1-based): chr2:55,672,038, A>G on the plus strand (T>C on the coding strand, the complement: PNPT1 is on the minus strand). VCF-style: chr2-55672038-A-G. GRCh37 (hg19) VCF-style: chr2-55899173-A-G.
Other names: short protein forms M292T.
Identifiers: ClinVar variation 1422759 (VCV001422759.7), dbSNP rs928642617, ClinGen allele CA47663202.